The following is an entry in ClinVar:

NM_001366918.1(RNF212):c.590T>G (p.Leu197Arg)

Gene: RNF212 (ring finger protein 212; minus strand). Cytogenetic location: 4p16.3.
Variant type: single nucleotide variant.
Coding change: c.590T>G on transcript NM_001366918.1; coding-DNA position 590, T replaced by G.
Protein change: p.Leu197Arg; replaces leucine 197 with arginine.
Molecular consequence: missense variant.
Genome position (GRCh38, 1-based): chr4:1,058,378, A>C on the plus strand (T>G on the coding strand, the complement: RNF212 is on the minus strand). VCF-style: chr4-1058378-A-C. GRCh37 (hg19) VCF-style: chr4-1052166-A-C.
Other names: c.590T>G, p.Leu197Arg (NM_001366919.1); short protein forms L197R.
Identifiers: ClinVar variation 3047327 (VCV003047327.2), dbSNP rs2248083, ClinGen allele CA11675043.

ClinVar aggregate classification (germline): Benign (0 of 4 stars; one submission).

Conditions:
RNF212-related disorder. Also called: RNF212-related condition.

Allele frequency attached by ClinVar (database versions not stated): 1000 Genomes Project 0.77676; gnomAD exomes 0.66246; 1000 Genomes Project 30x 0.77811; TOPMed 0.80701.
gnomAD v4.1: 307,224 of 429,284 alleles (72%); highest among the groups gnomAD compares: African/African-American, 94%; 116,838 homozygotes.

Submission:

PreventionGenetics, part of Exact Sciences
Classification: Benign for RNF212-related condition. Last evaluated: 2022-03-07. Review status: no assertion criteria provided. Collection method: clinical testing. Allele origin: germline.
Comment: This variant is classified as benign based on ACMG/AMP sequence variant interpretation guidelines (Richards et al. 2015 PMID: 25741868, with internal and published modifications).